The following is an entry in ClinVar:

ClinVar aggregate classification (germline): Conflicting classifications of pathogenicity. Review status: criteria provided, conflicting classifications (1 of 4 stars). 9 submissions from 9 submitters: Uncertain significance (7); Likely benign (1). 1 of the submissions does not count toward it. Last evaluated 2025-12-21.

Conditions:
Hereditary nonpolyposis colorectal neoplasms. Identifiers: MedGen C0009405, MeSH D003123.
Lynch syndrome. Identifiers: Orphanet 144, MedGen C4552100, MONDO:0005835. Disease mechanism: loss of function.
Lynch syndrome 5 (LYNCH5). Also called: Colorectal cancer, hereditary nonpolyposis, type 5; Hereditary non-polyposis colorectal cancer, type 5. Identifiers: Orphanet 144, MedGen C1833477, MONDO:0013710, OMIM 614350. Disease mechanism: loss of function.
Endometrial carcinoma. Also called: Endometrial carcinoma, somatic. Identifiers: MedGen C0476089, MONDO:0002447, OMIM 608089, HP:0012114.
Hereditary cancer-predisposing syndrome. Also called: Tumor predisposition; Hereditary neoplastic syndrome; Neoplastic Syndromes, Hereditary; Hereditary Cancer Syndrome. Identifiers: Orphanet 140162, MedGen C0027672, MeSH D009386, MONDO:0015356.

Allele frequency attached by ClinVar (database versions not stated): gnomAD exomes below 0.00001 and 0.00001; gnomAD 0.00002; ExAC 0.00002; TOPMed 0.00003.
gnomAD v4.1: 6 of 1,614,050 alleles (0.00037%); highest among the groups gnomAD compares: African/African-American, 0.008%; no homozygotes.

Submissions (9):

Ambry Genetics
Classification: Uncertain significance for Hereditary cancer-predisposing syndrome. Last evaluated: 2025-12-21. Review status: criteria provided, single submitter. Criteria: Ambry Variant Classification Scheme 2023. Collection method: clinical testing. Allele origin: germline.
Comment: The p.H578Y variant (also known as c.1732C>T), located in coding exon 4 of the MSH6 gene, results from a C to T substitution at nucleotide position 1732. The histidine at codon 578 is replaced by tyrosine, an amino acid with similar properties. This variant was identified in a cohort of 3,579 African males diagnosed with prostate cancer who underwent multi-gene panel testing of 19 DNA repair and cancer predisposition genes (Matejcic M et al. JCO Precis Oncol, 2020 Jan;4:32-43). This amino acid position is highly conserved in available vertebrate species. In addition, this alteration is predicted to be deleterious by in silico analysis. Since supporting evidence is limited at this time, the clinical significance of this alteration remains unclear.

GeneDx
Classification: Uncertain significance. Last evaluated: 2025-07-22. Review status: criteria provided, single submitter. Criteria: GeneDx Variant Classification Process June 2021. Collection method: clinical testing. Allele origin: germline. Affected: yes.
Comment: Not observed at significant frequency in large population cohorts (gnomAD); In silico analysis suggests that this missense variant does not alter protein structure/function; This variant is associated with the following publications: (PMID: 28069802, 29684080, 27535533, 32832836, 21120944, 17531815)

Labcorp Genetics (formerly Invitae), Labcorp
Classification: Likely benign for Hereditary nonpolyposis colorectal neoplasms. Last evaluated: 2025-06-04. Review status: criteria provided, single submitter. Criteria: Invitae Variant Classification Sherloc (09022015). Collection method: clinical testing. Allele origin: germline.

Color Diagnostics, LLC DBA Color Health
Classification: Uncertain significance for Hereditary cancer-predisposing syndrome. Last evaluated: 2024-03-11. Review status: criteria provided, single submitter. Criteria: ACMG Guidelines, 2015. Collection method: clinical testing. Allele origin: germline.
Comment: This missense variant replaces histidine with tyrosine at codon 578 of the MSH6 protein. Computational prediction is inconclusive regarding the impact of this variant on protein structure and function (internally defined REVEL score threshold 0.5 < inconclusive < 0.7, PMID: 27666373). To our knowledge, functional studies have not been reported for this variant. This variant has been reported in an individual affected with colorectal cancer (PMID: 29684080). This variant has been identified in 3/281672 chromosomes in the general population by the Genome Aggregation Database (gnomAD). The available evidence is insufficient to determine the role of this variant in disease conclusively. Therefore, this variant is classified as a Variant of Uncertain Significance.

Baylor Genetics
Classification: Uncertain significance for Endometrial carcinoma. Last evaluated: 2024-02-21. Review status: criteria provided, single submitter. Criteria: ACMG Guidelines, 2015. Collection method: clinical testing. Allele origin: unknown.

All of Us Research Program, National Institutes of Health
Classification: Uncertain significance for Lynch syndrome. Last evaluated: 2023-05-08. Review status: criteria provided, single submitter. Criteria: ACMG Guidelines, 2015. Collection method: clinical testing. Allele origin: germline. Inheritance: Autosomal dominant inheritance. Observed: 1 variant allele, 1 heterozygote.
Comment: This missense variant replaces histidine with tyrosine at codon 578 of the MSH6 protein. Computational prediction is inconclusive regarding the impact of this variant on protein structure and function (internally defined REVEL score threshold 0.5 < inconclusive < 0.7, PMID: 27666373). To our knowledge, functional studies have not been reported for this variant. This variant has been reported in an individual affected with colorectal cancer (PMID: 29684080). This variant has been identified in 3/281672 chromosomes in the general population by the Genome Aggregation Database (gnomAD). The available evidence is insufficient to determine the role of this variant in disease conclusively. Therefore, this variant is classified as a Variant of Uncertain Significance.

This study involves interpretation of variants in research participants for the purpose of population health screening. Participant phenotype was not available at the time of variant classification. Additional details can be found in publication PMID: 35346344, PMCID: PMC8962531

Myriad Genetics, Inc.
Classification: Uncertain significance for Lynch syndrome 5. Last evaluated: 2023-03-28. Review status: criteria provided, single submitter. Criteria: Myriad Autosomal Dominant, Autosomal Recessive and X-Linked Classification Criteria (2023). Collection method: clinical testing. Allele origin: unknown.
Comment: This variant is classified as a variant of uncertain significance as there is insufficient evidence to determine its impact on protein function and/or cancer risk.

Women's Health and Genetics/Laboratory Corporation of America, LabCorp
Classification: Uncertain significance. Last evaluated: 2022-07-26. Review status: criteria provided, single submitter. Criteria: LabCorp Variant Classification Summary - May 2015. Collection method: clinical testing. Allele origin: germline.
Comment: Variant summary: MSH6 c.1732C>T (p.His578Tyr) results in a conservative amino acid change located in the DNA mismatch repair protein MutS, connector domain of the encoded protein sequence. Four of five in-silico tools predict a benign effect of the variant on protein function. The variant allele was found at a frequency of 8e-06 in 250272 control chromosomes. The available data on variant occurrences in the general population are insufficient to allow any conclusion about variant significance. To our knowledge, no occurrence of c.1732C>T in individuals affected with Lynch Syndrome and no experimental evidence demonstrating its impact on protein function have been reported. Five clinical diagnostic laboratories have submitted clinical-significance assessments for this variant to ClinVar after 2014 without evidence for independent evaluation. All laboratories classified the variant as uncertain significance. Based on the evidence outlined above, the variant was classified as uncertain significance.

Counsyl
Classification: Uncertain significance for Lynch syndrome 5. Last evaluated: 2018-05-01. Review status: no assertion criteria provided. Collection method: clinical testing. Allele origin: unknown. Not counted in ClinVar's aggregate classification.

Literature cited by the submitters: PubMed 29684080 (cited by 4 submitters); PubMed 32832836 (cited by Ambry Genetics).

NM_000179.3(MSH6):c.1732C>T (p.His578Tyr)

Gene: MSH6 (mutS homolog 6; plus strand). Cytogenetic location: 2p16.3.
Variant type: single nucleotide variant.
Coding change: c.1732C>T on transcript NM_000179.3 (MANE Select); coding-DNA position 1732, C replaced by T.
Protein change: p.His578Tyr; replaces histidine 578 with tyrosine.
Molecular consequence: missense variant.
Genome position (GRCh38, 1-based): chr2:47,799,715, C>T. VCF-style: chr2-47799715-C-T. GRCh37 (hg19) VCF-style: chr2-48026854-C-T.
Other names: c.1342C>T, p.His448Tyr (NM_001281492.2); c.826C>T, p.His276Tyr (NM_001281493.2, NM_001281494.2); short protein forms H578Y, H448Y, H276Y.
Identifiers: ClinVar variation 185467 (VCV000185467.27), dbSNP rs768854566, ClinGen allele CA009101.